The following is an entry in ClinVar:

ClinVar aggregate classification (germline): Uncertain significance (1 of 4 stars; one submission).

Conditions:
Cardiovascular phenotype. Identifiers: MedGen CN230736.

Submission:

Ambry Genetics
Classification: Uncertain significance for Cardiovascular phenotype. Last evaluated: 2022-08-16. Review status: criteria provided, single submitter. Criteria: Ambry Variant Classification Scheme 2023. Collection method: clinical testing. Allele origin: germline.
Comment: The p.P388L variant (also known as c.1163C>T), located in coding exon 10 of the APOB gene, results from a C to T substitution at nucleotide position 1163. The proline at codon 388 is replaced by leucine, an amino acid with similar properties. This amino acid position is conserved. In addition, the in silico prediction for this alteration is inconclusive. Since supporting evidence is limited at this time, the clinical significance of this alteration remains unclear.

NM_000384.3(APOB):c.1163C>T (p.Pro388Leu)

Gene: APOB (apolipoprotein B; minus strand). Cytogenetic location: 2p24.1.
Variant type: single nucleotide variant.
Coding change: c.1163C>T on transcript NM_000384.3 (MANE Select); coding-DNA position 1163, C replaced by T.
Protein change: p.Pro388Leu; replaces proline 388 with leucine.
Molecular consequence: missense variant.
Genome position (GRCh38, 1-based): chr2:21,032,543, G>A on the plus strand (C>T on the coding strand, the complement: APOB is on the minus strand). VCF-style: chr2-21032543-G-A. GRCh37 (hg19) VCF-style: chr2-21255415-G-A.
Other names: short protein forms P388L.
Identifiers: ClinVar variation 1737518 (VCV001737518.2), dbSNP rs2465433058, ClinGen allele CA345958424.